The following is an entry in ClinVar:

NM_207037.2(TCF12):c.1418C>G (p.Ser473Ter)

Gene: TCF12 (transcription factor 12; plus strand). Cytogenetic location: 15q21.3.
Variant type: single nucleotide variant.
Coding change: c.1418C>G on transcript NM_207037.2 (MANE Select); coding-DNA position 1418, C replaced by G.
Protein change: p.Ser473Ter; replaces serine 473 with a stop codon.
Molecular consequence: nonsense.
Genome position (GRCh38, 1-based): chr15:57,253,419, C>G. VCF-style: chr15-57253419-C-G. GRCh37 (hg19) VCF-style: chr15-57545617-C-G.
Other names: c.908C>G, p.Ser303Ter (NM_001306219.3); c.638C>G, p.Ser213Ter (NM_001306220.3); c.1418C>G, p.Ser473Ter (NM_001322151.2, NM_001322152.2, NM_001322159.3 and 2 more transcripts); c.761C>G, p.Ser254Ter (NM_001322154.2); c.1244C>G, p.Ser415Ter (NM_001322156.2); c.1346C>G, p.Ser449Ter (NM_001322157.3, NM_001322165.2, NM_003205.4 and 1 more transcripts); c.1172C>G, p.Ser391Ter (NM_001322158.2); c.1415C>G, p.Ser472Ter (NM_001322161.2); and 2 more; short protein forms S213*, S254*, S279*, S303*, S391*, S415*, S449*, S461*.
Identifiers: ClinVar variation 4530809 (VCV004530809.1).

ClinVar aggregate classification (germline): Pathogenic (1 of 4 stars; one submission).

gnomAD v4.1: 2 of 1,614,040 alleles (0.00012%); highest among the groups gnomAD compares: Non-Finnish European, 0.00017%; no homozygotes.

Submission:

GeneDx
Classification: Pathogenic. Last evaluated: 2025-05-19. Review status: criteria provided, single submitter. Criteria: GeneDx Variant Classification Process June 2021. Collection method: clinical testing. Allele origin: germline. Affected: yes.
Comment: Nonsense variant predicted to result in protein truncation or nonsense mediated decay in a gene for which loss of function is a known mechanism of disease; Not observed at significant frequency in large population cohorts (gnomAD); This variant is associated with the following publications: (PMID: 33547006)